The following is an entry in ClinVar:

NM_205861.3(DHDDS):c.132G>A (p.Gln44=)

Gene: DHDDS (dehydrodolichyl diphosphate synthase subunit; plus strand). Cytogenetic location: 1p36.11.
Variant type: single nucleotide variant.
Coding change: c.132G>A on transcript NM_205861.3 (MANE Select); coding-DNA position 132, G replaced by A.
Protein change: p.Gln44=; no amino-acid change (glutamine 44 retained).
Molecular consequence: synonymous variant. On other transcripts: 5 prime UTR variant (1).
Genome position (GRCh38, 1-based): chr1:26,438,236, G>A. VCF-style: chr1-26438236-G-A. GRCh37 (hg19) VCF-style: chr1-26764727-G-A.
Other names: c.132G>A, p.Gln44= (NM_001243564.2, NM_001243565.2, NM_024887.4); c.-171G>A (NM_001319959.2).
Identifiers: ClinVar variation 2638523 (VCV002638523.24), dbSNP rs2524465981, ClinGen allele CA416778974.

ClinVar aggregate classification (germline): Likely benign (1 of 4 stars; one submission).

Submission:

CeGaT Center for Human Genetics Tuebingen
Classification: Likely benign. Last evaluated: 2023-02-01. Review status: criteria provided, single submitter. Criteria: CeGaT Center For Human Genetics Tuebingen Variant Classification Criteria Version 2. Collection method: clinical testing. Allele origin: germline. Affected: yes. Observed: 1 variant allele.
Comment: DHDDS: PM2:Supporting, BP4, BP7